The following is an entry in ClinVar:

NM_024675.4(PALB2):c.2683G>T (p.Val895Phe)

Gene: PALB2 (partner and localizer of BRCA2; minus strand). Cytogenetic location: 16p12.2.
Variant type: single nucleotide variant.
Coding change: c.2683G>T on transcript NM_024675.4 (MANE Select); coding-DNA position 2683, G replaced by T.
Protein change: p.Val895Phe; replaces valine 895 with phenylalanine.
Molecular consequence: missense variant.
Genome position (GRCh38, 1-based): chr16:23,626,301, C>A on the plus strand (G>T on the coding strand, the complement: PALB2 is on the minus strand). VCF-style: chr16-23626301-C-A. GRCh37 (hg19) VCF-style: chr16-23637622-C-A.
Other names: short protein forms V895F.
Identifiers: ClinVar variation 646015 (VCV000646015.12), dbSNP rs1597085101, ClinGen allele CA395122002.

ClinVar aggregate classification (germline): Uncertain significance. Review status: criteria provided, multiple submitters, no conflicts (2 of 4 stars). 2 submissions from 2 submitters: Uncertain significance (2). Last evaluated 2023-03-17.

Conditions:
Hereditary cancer-predisposing syndrome. Also called: Hereditary Cancer Syndrome; Tumor predisposition; Hereditary neoplastic syndrome; Neoplastic Syndromes, Hereditary. Identifiers: Orphanet 140162, MedGen C0027672, MeSH D009386, MONDO:0015356.
Familial cancer of breast. Also called: hereditary breast carcinoma; Hereditary breast cancer; BREAST CANCER, FAMILIAL. Identifiers: Orphanet 227535, MedGen C0346153, MONDO:0016419, OMIM 114480. Disease mechanism: loss of function.

Submissions (2):

Ambry Genetics
Classification: Uncertain significance for Hereditary cancer-predisposing syndrome. Last evaluated: 2023-03-17. Review status: criteria provided, single submitter. Criteria: Ambry Variant Classification Scheme 2023. Collection method: clinical testing. Allele origin: germline.
Comment: The p.V895F variant (also known as c.2683G>T), located in coding exon 7 of the PALB2 gene, results from a G to T substitution at nucleotide position 2683. The valine at codon 895 is replaced by phenylalanine, an amino acid with highly similar properties. This amino acid position is well conserved in available vertebrate species. In addition, the in silico prediction for this alteration is inconclusive. Since supporting evidence is limited at this time, the clinical significance of this alteration remains unclear.

Labcorp Genetics (formerly Invitae), Labcorp
Classification: Uncertain significance for Familial cancer of breast. Last evaluated: 2018-09-16. Review status: criteria provided, single submitter. Criteria: Invitae Variant Classification Sherloc (09022015). Collection method: clinical testing. Allele origin: germline.
Comment: In summary, the available evidence is currently insufficient to determine the role of this variant in disease. Therefore, it has been classified as a Variant of Uncertain Significance. Algorithms developed to predict the effect of missense changes on protein structure and function are either unavailable or do not agree on the potential impact of this missense change (SIFT: "Deleterious"; PolyPhen-2: "Probably Damaging"; Align-GVGD: "Class C0"). This variant has not been reported in the literature in individuals with PALB2-related disease. This variant is not present in population databases (ExAC no frequency). This sequence change replaces valine with phenylalanine at codon 895 of the PALB2 protein (p.Val895Phe). The valine residue is highly conserved and there is a small physicochemical difference between valine and phenylalanine.